The following is an entry in ClinVar:

ClinVar aggregate classification (germline): Likely pathogenic (1 of 4 stars; one submission).

Conditions:
Fabry disease. Also called: ALPHA-GALACTOSIDASE A DEFICIENCY; ANDERSON-FABRY DISEASE; CERAMIDE TRIHEXOSIDASE DEFICIENCY; GLA DEFICIENCY; HEREDITARY DYSTOPIC LIPIDOSIS; Angiokeratoma corporis diffusum. Identifiers: Orphanet 324, MedGen C0002986, MONDO:0010526, OMIM 301500, HP:0001071. Disease mechanism: Fabry disease is due to inactivating mutations in the X-linked GLA gene resulting in deficiency of the enzyme Alpha Galactosidase-A., loss of function.

Submission:

Genomenon, Inc
Classification: Likely pathogenic for Fabry disease. Last evaluated: 2026-09-08. Review status: criteria provided, single submitter. Criteria: Genomenon Sequence Variant Interpretation Standards - Updated. Collection method: curation. Allele origin: germline. Affected: yes.
Comment: GLA p.Ile239del (c.716_718del) is an in-frame deletion that results in the loss of Isoleucine at codon 239. This variant has been observed in at least one proband with clinical features consistent with Fabry disease (PMID:18769939). At least one functional study has demonstrated a substantial alteration in protein function relative to the wild-type (PMID:27657681). It is absent or not present at a significant frequency in gnomAD. In conclusion, we classify GLA p.Ile239del (c.716_718del) as a likely pathogenic variant.

Literature cited by the submitters: PubMed 18769939; PubMed 27657681.

NM_000169.3(GLA):c.716_718del (p.Ile239del)

Genes: GLA (galactosidase alpha; minus strand), RPL36A-HNRNPH2 (RPL36A-HNRNPH2 readthrough; plus strand). Cytogenetic location: Xq22.1.
Variant type: Deletion.
Coding change: c.716_718del on transcript NM_000169.3 (MANE Select); coding-DNA positions 716 to 718, 3 bases deleted (TAA; older notation c.716_718delTAA).
Protein change: p.Ile239del; deletes isoleucine 239.
Molecular consequence: inframe deletion. On other transcripts: non-coding transcript variant (3), intron variant (2).
Genome position (GRCh38, 1-based): chrX:101,398,868-101,398,870, TTA deleted on the plus strand (TAA on the coding strand, the reverse complement: GLA is on the minus strand); deleting any 3 consecutive bases within chrX:101,398,868-101,398,871 gives the same sequence; the c. name uses the placement nearest the transcript's 3' end. VCF-style (leftmost placement, unchanged base first): chrX-101398867-TTTA-T. GRCh37 (hg19) VCF-style: chrX-100653855-TTTA-T.
Other names: c.839_841del, p.Ile280del (NM_001406747.1); c.716_718del, p.Ile239del (NM_001406748.1); c.300+3412_300+3414del (NM_001199973.2); c.177+7047_177+7049del (NM_001199974.2); short protein forms I239del, I280del.
Identifiers: ClinVar variation 4087113 (VCV004087113.2).